The following is an entry in ClinVar:

NM_006206.6(PDGFRA):c.2324A>G (p.Asp775Gly)

Gene: PDGFRA (platelet derived growth factor receptor alpha; plus strand). Cytogenetic location: 4q12.
Variant type: single nucleotide variant.
Coding change: c.2324A>G on transcript NM_006206.6 (MANE Select); coding-DNA position 2324, A replaced by G.
Protein change: p.Asp775Gly; replaces aspartic acid 775 with glycine.
Molecular consequence: missense variant.
Genome position (GRCh38, 1-based): chr4:54,285,371, A>G. VCF-style: chr4-54285371-A-G. GRCh37 (hg19) VCF-style: chr4-55151538-A-G.
Other names: c.2399A>G, p.Asp800Gly (NM_001347828.2); c.2324A>G, p.Asp775Gly (NM_001347829.2); c.2363A>G, p.Asp788Gly (NM_001347830.2); short protein forms D775G, D788G, D800G.
Identifiers: ClinVar variation 949365 (VCV000949365.12), dbSNP rs1724287313, ClinGen allele CA356894577.

ClinVar aggregate classification (germline): Uncertain significance. Review status: criteria provided, multiple submitters, no conflicts (2 of 4 stars). 2 submissions from 2 submitters: Uncertain significance (2). Last evaluated 2022-06-20.

Conditions:
Gastrointestinal stromal tumor. Also called: Gastrointestinal stromal tumor, somatic; Gastrointestinal stroma tumor. Identifiers: Orphanet 44890, MedGen C0238198, MeSH D046152, MONDO:0011719, OMIM 606764, HP:0100723.
Hereditary cancer-predisposing syndrome. Also called: Hereditary neoplastic syndrome; Neoplastic Syndromes, Hereditary; Hereditary Cancer Syndrome; Tumor predisposition. Identifiers: Orphanet 140162, MedGen C0027672, MeSH D009386, MONDO:0015356.

Submissions (2):

Ambry Genetics
Classification: Uncertain significance for Hereditary cancer-predisposing syndrome. Last evaluated: 2022-06-20. Review status: criteria provided, single submitter. Criteria: Ambry Variant Classification Scheme 2023. Collection method: clinical testing. Allele origin: germline.
Comment: The p.D775G variant (also known as c.2324A>G) is located in coding exon 16 of the PDGFRA gene. The aspartic acid at codon 775 is replaced by glycine, an amino acid with similar properties. This change occurs in the first base pair of coding exon 16. This amino acid position is conserved. In addition, the in silico prediction for this alteration is inconclusive. Since supporting evidence is limited at this time, the clinical significance of this alteration remains unclear.

Labcorp Genetics (formerly Invitae), Labcorp
Classification: Uncertain significance for Gastrointestinal stromal tumor. Last evaluated: 2019-05-23. Review status: criteria provided, single submitter. Criteria: Invitae Variant Classification Sherloc (09022015). Collection method: clinical testing. Allele origin: germline.
Comment: This sequence change replaces aspartic acid with glycine at codon 775 of the PDGFRA protein (p.Asp775Gly). The aspartic acid residue is moderately conserved and there is a moderate physicochemical difference between aspartic acid and glycine. In summary, the available evidence is currently insufficient to determine the role of this variant in disease. Therefore, it has been classified as a Variant of Uncertain Significance. Algorithms developed to predict the effect of missense changes on protein structure and function (SIFT, PolyPhen-2, Align-GVGD) all suggest that this variant is likely to be tolerated, but these predictions have not been confirmed by published functional studies and their clinical significance is uncertain. This variant has not been reported in the literature in individuals with PDGFRA-related conditions. This variant is not present in population databases (ExAC no frequency).